The following is an entry in ClinVar:

NM_006914.4(RORB):c.730T>A (p.Tyr244Asn)

Gene: RORB (RAR related orphan receptor B; plus strand). Cytogenetic location: 9q21.13.
Variant type: single nucleotide variant.
Coding change: c.730T>A on transcript NM_006914.4 (MANE Select); coding-DNA position 730, T replaced by A.
Protein change: p.Tyr244Asn; replaces tyrosine 244 with asparagine.
Molecular consequence: missense variant.
Genome position (GRCh38, 1-based): chr9:74,660,709, T>A. VCF-style: chr9-74660709-T-A. GRCh37 (hg19) VCF-style: chr9-77275625-T-A.
Other names: c.763T>A, p.Tyr255Asn (NM_001365023.1); short protein forms Y255N, Y244N.
Identifiers: ClinVar variation 4726748 (VCV004726748.1).

ClinVar aggregate classification (germline): Uncertain significance (1 of 4 stars; one submission).

gnomAD v4.1: 1 of 1,613,492 alleles (0.000062%); highest among the groups gnomAD compares: Non-Finnish European, 0.000085%; no homozygotes.

Submission:

Labcorp Genetics (formerly Invitae), Labcorp
Classification: Uncertain significance. Last evaluated: 2025-09-07. Review status: criteria provided, single submitter. Criteria: Invitae Variant Classification Sherloc (09022015). Collection method: clinical testing. Allele origin: germline.
Comment: This sequence change replaces tyrosine, which is neutral and polar, with asparagine, which is neutral and polar, at codon 244 of the RORB protein (p.Tyr244Asn). This variant is not present in population databases (gnomAD no frequency). This variant has not been reported in the literature in individuals affected with RORB-related conditions. An algorithm developed to predict the effect of missense changes on protein structure and function (PolyPhen-2) suggests that this variant is likely to be tolerated. In summary, the available evidence is currently insufficient to determine the role of this variant in disease. Therefore, it has been classified as a Variant of Uncertain Significance.